The following is an entry in ClinVar:

ClinVar aggregate classification (germline): Uncertain significance. Review status: criteria provided, multiple submitters, no conflicts (2 of 4 stars). 2 submissions from 2 submitters: Uncertain significance (2). Last evaluated 2024-10-11.

gnomAD v4.1: 3 of 1,614,218 alleles (0.00019%); highest among the groups gnomAD compares: Admixed American, 0.0033%; no homozygotes.

Submissions (2):

ARUP Laboratories, Molecular Genetics and Genomics, ARUP Laboratories
Classification: Uncertain significance. Last evaluated: 2024-10-11. Review status: criteria provided, single submitter. Criteria: ARUP Molecular Germline Variant Investigation Process 2024. Collection method: clinical testing. Allele origin: germline.
Comment: The VWF c.5382G>C; p.Lys1794Asn variant (rs1180621919), to our knowledge, is not reported in the medical literature or gene specific databases. This variant is only observed on one allele in the Genome Aggregation Database (v2.1.1), indicating it is not a common polymorphism. Computational analyses are uncertain whether this variant is neutral or deleterious (REVEL: 0.432). Due to limited information, the clinical significance of this variant is uncertain at this time.

Mayo Clinic Laboratories, Mayo Clinic
Classification: Uncertain significance. Last evaluated: 2024-03-26. Review status: criteria provided, single submitter. Criteria: ACMG Guidelines, 2015. Collection method: clinical testing. Allele origin: germline. Observed: 1 variant allele.
Comment: PM2_moderate

NM_000552.5(VWF):c.5382G>C (p.Lys1794Asn)

Gene: VWF (von Willebrand factor; minus strand). Cytogenetic location: 12p13.31.
Variant type: single nucleotide variant.
Coding change: c.5382G>C on transcript NM_000552.5 (MANE Select); coding-DNA position 5382, G replaced by C.
Protein change: p.Lys1794Asn; replaces lysine 1794 with asparagine.
Molecular consequence: missense variant.
Genome position (GRCh38, 1-based): chr12:6,016,162, C>G on the plus strand (G>C on the coding strand, the complement: VWF is on the minus strand). VCF-style: chr12-6016162-C-G. GRCh37 (hg19) VCF-style: chr12-6125328-C-G.
Other names: p.Lys1794Asn; short protein forms K1794N.
Identifiers: ClinVar variation 3380068 (VCV003380068.2).
Genomic context (GRCh38, chr12:6,016,162, plus strand): 5'-GGCATCAGCTGCTGCATCCACTGAATCCACAGAGACGTCCGTGACCAGGATGACCACCGC[C>G]TTTGAGGCTCCCGGCCTGGCACCATGCATTTCTGAAGTCAAGTATCGCACAGCAAAGCCC-3'
Protein context (NP_000543.3, residues 1784-1804): EMHGARPGAS[Lys1794Asn]AVVILVTDVS